The following is an entry in ClinVar:

NM_005450.6(NOG):c.360C>T (p.Ile120=)

Gene: NOG (noggin; plus strand). Cytogenetic location: 17q22.
Variant type: single nucleotide variant.
Coding change: c.360C>T on transcript NM_005450.6 (MANE Select); coding-DNA position 360, C replaced by T.
Protein change: p.Ile120=; no amino-acid change (isoleucine 120 retained).
Molecular consequence: synonymous variant.
Genome position (GRCh38, 1-based): chr17:56,594,583, C>T. VCF-style: chr17-56594583-C-T. GRCh37 (hg19) VCF-style: chr17-54671944-C-T.
Identifiers: ClinVar variation 3654031 (VCV003654031.2).

ClinVar aggregate classification (germline): Uncertain significance (1 of 4 stars; one submission).

Submission:

Labcorp Genetics (formerly Invitae), Labcorp
Classification: Uncertain significance. Last evaluated: 2024-05-21. Review status: criteria provided, single submitter. Criteria: Invitae Variant Classification Sherloc (09022015). Collection method: clinical testing. Allele origin: germline.
Comment: This sequence change affects codon 120 of the NOG mRNA. It is a 'silent' change, meaning that it does not change the encoded amino acid sequence of the NOG protein. This variant is not present in population databases (gnomAD no frequency). This variant has not been reported in the literature in individuals affected with NOG-related conditions. In summary, the available evidence is currently insufficient to determine the role of this variant in disease. Therefore, it has been classified as a Variant of Uncertain Significance.